The following is an entry in ClinVar:

ClinVar aggregate classification (germline): Uncertain significance (1 of 4 stars; one submission).

Conditions:
Congenital disorder of glycosylation type Ir (CDG1R). Also called: DDOST-congenital disorder of glycosylation. Identifiers: Orphanet 300536, MedGen C3281084, MONDO:0013789, OMIM 614507.

Submission:

Labcorp Genetics (formerly Invitae), Labcorp
Classification: Uncertain significance for Congenital disorder of glycosylation type Ir. Last evaluated: 2018-01-20. Review status: criteria provided, single submitter. Criteria: Invitae Variant Classification Sherloc (09022015). Collection method: clinical testing. Allele origin: germline.
Comment: A gross deletion of the genomic region encompassing the full coding sequence of the DDOST gene has been identified. The boundaries of this event are unknown as the deletion extends beyond the assayed region for this gene and therefore may encompass additional genes. In summary, the available evidence is currently insufficient to determine the role of this variant in disease. Therefore, it has been classified as a Variant of Uncertain Significance. The current clinical and genetic evidence is not sufficient to establish whether loss-of-function variants in DDOST cause disease. This variant has not been reported in the literature in individuals with DDOST-related disease.

NC_000001.11:g.(?_20652359)_(20661421_?)del

Gene: DDOST (dolichyl-diphosphooligosaccharide--protein glycosyltransferase non-catalytic subunit; minus strand). Cytogenetic location: 1p36.12.
Variant type: Deletion.
Identifiers: ClinVar variation 583894 (VCV000583894.9).